The following is an entry in ClinVar:

ClinVar aggregate classification (germline): Uncertain significance. Review status: criteria provided, multiple submitters, no conflicts (2 of 4 stars). 3 submissions from 3 submitters: Uncertain significance (3). Last evaluated 2026-02-17.

Conditions:
Inborn genetic diseases. Identifiers: MedGen C0950123, MeSH D030342.
Developmental and epileptic encephalopathy, 54. Also called: HNRNPU-Related Neurodevelopmental Disorder; Epileptic encephalopathy, early infantile, 54. Identifiers: MedGen C4479319, MONDO:0033363, OMIM 617391.

Allele frequency attached by ClinVar (database versions not stated): gnomAD exomes below 0.00001; ExAC 0.00001.
gnomAD v4.1: 1 of 1,601,164 alleles (0.000062%); highest among the groups gnomAD compares: South Asian, 0.0011%; no homozygotes.

Submissions (3):

Ambry Genetics
Classification: Uncertain significance for Inborn genetic diseases. Last evaluated: 2026-02-17. Review status: criteria provided, single submitter. Criteria: Ambry Variant Classification Scheme 2023. Collection method: clinical testing. Allele origin: germline.
Comment: The c.914G>A (p.R305H) alteration is located in exon 4 (coding exon 4) of the HNRNPU gene. This alteration results from a G to A substitution at nucleotide position 914, causing the arginine (R) at amino acid position 305 to be replaced by a histidine (H). Based on data from gnomAD, the A allele has an overall frequency of <0.001% (1/250988) total alleles studied. The highest observed frequency was 0.003% (1/30548) of South Asian alleles. Based on insufficient or conflicting evidence, the clinical significance of this alteration remains unclear.

Labcorp Genetics (formerly Invitae), Labcorp
Classification: Uncertain significance for Developmental and epileptic encephalopathy, 54. Last evaluated: 2025-10-27. Review status: criteria provided, single submitter. Criteria: Invitae Variant Classification Sherloc (09022015). Collection method: clinical testing. Allele origin: germline.
Comment: This sequence change replaces arginine, which is basic and polar, with histidine, which is basic and polar, at codon 305 of the HNRNPU protein (p.Arg305His). This variant is present in population databases (rs756460435, gnomAD 0.003%). This variant has not been reported in the literature in individuals affected with HNRNPU-related conditions. ClinVar contains an entry for this variant (Variation ID: 1251936). Invitae Evidence Modeling of protein sequence and biophysical properties (such as structural, functional, and spatial information, amino acid conservation, physicochemical variation, residue mobility, and thermodynamic stability) has been performed for this missense variant. However, the output from this modeling did not meet the statistical confidence thresholds required to predict the impact of this variant on HNRNPU protein function. In summary, the available evidence is currently insufficient to determine the role of this variant in disease. Therefore, it has been classified as a Variant of Uncertain Significance.

HudsonAlpha Institute for Biotechnology
Classification: Uncertain significance for Developmental and epileptic encephalopathy, 54. Last evaluated: 2021-03-12. Review status: criteria provided, single submitter. Criteria: ACMG Guidelines, 2015. Collection method: research. Allele origin: de novo. Observed: 1 variant allele. Study: HudsonAlpha-AGHI-WGS.
Comment: ACMG codes:PM2, PP3

NM_031844.3(HNRNPU):c.914G>A (p.Arg305His)

Gene: HNRNPU (heterogeneous nuclear ribonucleoprotein U; minus strand). Cytogenetic location: 1q44.
Variant type: single nucleotide variant.
Coding change: c.914G>A on transcript NM_031844.3 (MANE Select); coding-DNA position 914, G replaced by A.
Protein change: p.Arg305His; replaces arginine 305 with histidine.
Molecular consequence: missense variant.
Genome position (GRCh38, 1-based): chr1:244,860,438, C>T on the plus strand (G>A on the coding strand, the complement: HNRNPU is on the minus strand). VCF-style: chr1-244860438-C-T. GRCh37 (hg19) VCF-style: chr1-245023740-C-T.
Other names: c.914G>A (NM_031844.2); c.857G>A, p.Arg286His (NM_004501.3); short protein forms R286H, R305H.
Identifiers: ClinVar variation 1251936 (VCV001251936.7), dbSNP rs756460435, ClinGen allele CA1486615.